The following is an entry in ClinVar:

ClinVar aggregate classification (germline): Pathogenic (1 of 4 stars; one submission).

Conditions:
Inborn genetic diseases. Identifiers: MedGen C0950123, MeSH D030342.

Submission:

Ambry Genetics
Classification: Pathogenic for Inborn genetic diseases. Last evaluated: 2025-06-27. Review status: criteria provided, single submitter. Criteria: Ambry Variant Classification Scheme 2023. Collection method: clinical testing. Allele origin: germline.
Comment: The c.1417G>T (p.E473*) alteration, located in exon 11 (coding exon 11) of the SMCHD1 gene, consists of a G to T substitution at nucleotide position 1417. This changes the amino acid from a glutamic acid (E) to a stop codon at amino acid position 473. This alteration is expected to result in loss of function by premature protein truncation or nonsense-mediated mRNA decay for SMCHD1-related facioscapulohumeral muscular dystrophy. NOTE: Add this bullet to the interpretation section during reporting if DUX4 haplotype is unknown: SMCHD1-related fascioscapulohumeral muscular dystrophy is caused by digenic inheritance of a SMCHD1 pathogenic mutation and the DUX4 permissive haplotype on chromosome 4. It is unknown if the patient carries this haplotype and follow-up haplotype analysis and methylation studies may be indicated. This variant was not reported in population-based cohorts in the Genome Aggregation Database (gnomAD). Based on the available evidence, this alteration is classified as pathogenic.

NM_015295.3(SMCHD1):c.1417G>T (p.Glu473Ter)

Gene: SMCHD1 (structural maintenance of chromosomes flexible hinge domain containing 1; plus strand). Cytogenetic location: 18p11.32.
Variant type: single nucleotide variant.
Coding change: c.1417G>T on transcript NM_015295.3 (MANE Select); coding-DNA position 1417, G replaced by T.
Protein change: p.Glu473Ter; replaces glutamic acid 473 with a stop codon.
Molecular consequence: nonsense.
Genome position (GRCh38, 1-based): chr18:2,700,613, G>T. VCF-style: chr18-2700613-G-T. GRCh37 (hg19) VCF-style: chr18-2700611-G-T.
Other names: short protein forms E473*.
Identifiers: ClinVar variation 4170444 (VCV004170444.1).